The following is an entry in ClinVar:

ClinVar aggregate classification (germline): Pathogenic. Review status: criteria provided, multiple submitters, no conflicts (2 of 4 stars). 15 submissions from 15 submitters: Pathogenic (13). 2 of the submissions do not count toward it. Last evaluated 2026-07-01.

Conditions:
PTPN11-related disorder. Also called: PTPN11-Related Disorders.
Cardiovascular phenotype. Identifiers: MedGen CN230736.
Juvenile myelomonocytic leukemia (JMML). Also called: LEUKEMIA, JUVENILE MYELOMONOCYTIC, SOMATIC. Identifiers: Orphanet 86834, MedGen C0349639, MONDO:0011908, OMIM 607785, HP:0012209.
Noonan syndrome 1 (NS1). Also called: PTPN11-Related Noonan Syndrome; FEMALE PSEUDO-TURNER SYNDROME; TURNER PHENOTYPE WITH NORMAL KARYOTYPE. Identifiers: Orphanet 648, MedGen C4551602, MONDO:0008104, OMIM 163950. Disease mechanism: gain of function.
Metachondromatosis (METCDS). Identifiers: Orphanet 2499, MedGen C0410530, MONDO:0007979, OMIM 156250.
LEOPARD syndrome 1 (LPRD1). Also called: PTPN11-Related LEOPARD Syndrome; LENTIGINOSIS, CARDIOMYOPATHIC; MULTIPLE LENTIGINES SYNDROME. Identifiers: Orphanet 500, MedGen C4551484, MONDO:0100082, OMIM 151100.
Noonan syndrome (NS). Also called: Noonan's syndrome. Identifiers: Orphanet 648, MedGen C0028326, MeSH D009634, MONDO:0018997. Disease mechanism: gain of function.
RASopathy. Also called: rasopathies; Noonan spectrum disorder. Identifiers: Orphanet 536391, MedGen C5555857, MONDO:0021060.

Submissions 1 to 9 of 15:

Victorian Clinical Genetics Services, Murdoch Childrens Research Institute
Classification: Pathogenic for Noonan syndrome 1. Last evaluated: 2026-07-01. Review status: criteria provided, single submitter. Criteria: ACMG Guidelines, 2015. Collection method: clinical testing. Allele origin: germline. Affected: yes.
Comment: This variant is classified as Pathogenic. Evidence in support of pathogenic classification: This variant is absent from gnomAD v4; This variant has strong previous evidence of pathogenicity in unrelated individuals. This variant has been classified as pathogenic by multiple clinical laboratories in ClinVar, and reported in the literature in individuals with Noonan syndrome (PMID: 32164556); Variant is located in a hotspot region or cluster of pathogenic variants (DECIPHER); Missense variant predicted to be damaging by in silico tool(s) and/or highly conserved with a major amino acid change; Additional information: This variant is predicted to result in a missense amino acid change from Ser to Thr; This variant is heterozygous; This gene is associated with autosomal dominant disease; Both loss of function and gain of function are known mechanisms of disease for this gene. Metachondromatosis (MIM#156250) and Noonan syndrome with multiple lentigines (MIM#151100) have been associated with loss of function variants, whereas Noonan syndrome 1 (MIM#163950) is caused by gain of function variants (PMIDs: 11992261, 24935154, 21533187; ClinGen expert panel); Variants in this gene are known to have variable expressivity. Noonan syndrome is known to have variable expressivity (PMID: 20301303).

Dasa
Classification: Pathogenic. Last evaluated: 2026-02-03. Review status: criteria provided, single submitter. Criteria: DASA Assertion Criteria. Collection method: clinical testing. Allele origin: germline.
Comment: NM_002834.5(PTPN11):c.1504T>A (p.Ser502Thr) is a missense variant that results in the substitution of serine with threonine. The affected residue or protein region has prior evidence supporting clinical relevance. De novo occurrence has been reported in an individual with related phenotype. Functional evidence supports a deleterious effect on the gene or gene product (PMID: 15834506; PMID: 12325025; PMID: 17020470; PMID: 32164556; PMID: 15928039). This variant has been recurrently observed in individuals with related phenotype (PMID: 15834506; PMID: 12325025; PMID: 17020470; PMID: 32164556; PMID: 15928039). Multiple computational predictions support a deleterious effect on the gene or gene product. The variant is present at low frequency in population datasets. Based on the available data, this variant is classified as pathogenic.

Labcorp Genetics (formerly Invitae), Labcorp
Classification: Pathogenic for RASopathy. Last evaluated: 2026-01-02. Review status: criteria provided, single submitter. Criteria: Invitae Variant Classification Sherloc (09022015). Collection method: clinical testing. Allele origin: germline.
Comment: This sequence change replaces serine, which is neutral and polar, with threonine, which is neutral and polar, at codon 502 of the PTPN11 protein (p.Ser502Thr). This variant is not present in population databases (gnomAD no frequency). This missense change has been observed in individual(s) with Noonan syndrome (PMID: 12325025, 32164556). In at least one individual the variant was observed to be de novo. ClinVar contains an entry for this variant (Variation ID: 13332). Invitae Evidence Modeling incorporating data from in vitro experimental studies (internal data) indicates that this missense variant is expected to disrupt PTPN11 function with a positive predictive value of 95%. This variant disrupts the p.Ser502 amino acid residue in PTPN11. Other variant(s) that disrupt this residue have been determined to be pathogenic (PMID: 12325025, 15928039, 17020470, 18470943, 19020799, 27521173). This suggests that this residue is clinically significant, and that variants that disrupt this residue are likely to be disease-causing. For these reasons, this variant has been classified as Pathogenic.

3billion
Classification: Pathogenic for Noonan syndrome 1. Last evaluated: 2025-02-26. Review status: criteria provided, single submitter. Criteria: ACMG Guidelines, 2015. Collection method: clinical testing. Allele origin: germline. Affected: yes.
Comment: The variant is not observed in the gnomAD v4.1.0 dataset. Predicted Consequence/Location: Missense variant. Missense changes are a common disease-causing mechanism. In silico tool predictions suggest damaging effect of the variant on gene or gene product [REVEL: 0.94 (>=0.6, sensitivity 0.68 and specificity 0.92); 3Cnet: 0.98 (>0.75, sensitivity 0.96 and precision 0.92)]. The same nucleotide change resulting in the same amino acid change has been previously reported as pathogenic/likely pathogenic with strong evidence (ClinVar ID: VCV000013332 /PMID: 12325025). Different missense changes at the same codon (p.Ser502Ala, p.Ser502Leu) have been reported as pathogenic/likely pathogenic with strong evidence (ClinVar ID: VCV000040556, VCV000040557 /PMID: 15928039, 17020470). Therefore, this variant is classified as Pathogenic according to the recommendation of ACMG/AMP guideline.

PreventionGenetics, part of Exact Sciences
Classification: Pathogenic for PTPN11-related condition. Last evaluated: 2024-12-06. Review status: criteria provided, single submitter. Criteria: ACMG Guidelines, 2015. Collection method: clinical testing. Allele origin: germline.
Comment: The PTPN11 c.1504T>A variant is predicted to result in the amino acid substitution p.Ser502Thr. This variant has been reported in at least eight unrelated individuals with Noonan syndrome (Maheshwari et al. 2002. PubMed ID: 12325025; van Trier et al. 2016. PubMed ID: 27521173; Athota et al. 2020. PubMed ID: 32164556) and has been shown to be a de novo event in two cases (Maheshwari et al. 2002. PubMed ID: 12325025). Additionally, different amino acid substitutions (p.Ser502Ala, p.Ser502Leu) affecting the same amino acid have been reported as pathogenic (Kratz et al. 2005. PubMed ID: 15928039; Bertola et al. 2006. PubMed ID: 17020470). This variant has been interpreted as pathogenic by multiple clinical labs in the ClinVar database. This variant has not been reported in a large population database, indicating this variant is rare. This variant is interpreted as pathogenic.

Ambry Genetics
Classification: Pathogenic for Cardiovascular phenotype. Last evaluated: 2024-11-14. Review status: criteria provided, single submitter. Criteria: Ambry Variant Classification Scheme 2023. Collection method: clinical testing. Allele origin: germline.
Comment: The c.1504T>A (p.S502T) alteration is located in exon 13 (coding exon 13) of the PTPN11 gene. This alteration results from a T to A substitution at nucleotide position 1504, causing the serine (S) at amino acid position 502 to be replaced by a threonine (T). for PTPN11-related RASopathy; however, it is unlikely to be causative of metachondromatosis. This variant was not reported in population-based cohorts in the Genome Aggregation Database (gnomAD). This variant has been reported in multiple individuals with features consistent with PTPN11-related RASopathy, including multiple cases of reported de novo occurrence (Maheshwari, 2002; Yoshida, 2004; Tartaglia, 2006; van Trier, 2015; Athota, 2020; Orlova, 2024). Two other alterations at the same codon, c.1505C>T (p.S502L) and c.1504T>G (p.S502A), have been reported in association with PTPN11-related RASopathy (Bertola, 2006; Joyce, 2016). This amino acid position is highly conserved in available vertebrate species. This alteration is predicted to be deleterious by in silico analysis. Based on the available evidence, this alteration is classified as pathogenic.

Genomic Medicine Center of Excellence, King Faisal Specialist Hospital and Research Centre
Classification: Pathogenic for Noonan syndrome 1. Last evaluated: 2024-03-26. Review status: criteria provided, single submitter. Criteria: ACMG Guidelines, 2015. Collection method: clinical testing. Allele origin: germline.

GeneDx
Classification: Pathogenic. Last evaluated: 2023-01-10. Review status: criteria provided, single submitter. Criteria: GeneDx Variant Classification Process June 2021. Collection method: clinical testing. Allele origin: germline. Affected: yes.
Comment: Published functional studies demonstrate a significant increase in phosphatase activity compared wildtype (Niihori et al., 2005); Not observed in large population cohorts (gnomAD); In silico analysis supports that this missense variant has a deleterious effect on protein structure/function; Missense variants in this gene are often considered pathogenic (HGMD); This variant is associated with the following publications: (PMID: 16358218, 15240615, 27521173, 12739139, 34184824, 12325025, 24803665, 15834506, 21407260, 25862627, 19737548, 32164556)

Clinical Genetics Laboratory, Skane University Hospital Lund
Classification: Pathogenic. Last evaluated: 2022-05-27. Review status: criteria provided, single submitter. Criteria: ACMG Guidelines, 2015. Collection method: clinical testing. Allele origin: germline. Affected: yes.

NM_002834.5(PTPN11):c.1504T>A (p.Ser502Thr)

Gene: PTPN11 (protein tyrosine phosphatase non-receptor type 11; plus strand). Cytogenetic location: 12q24.13.
Variant type: single nucleotide variant.
Coding change: c.1504T>A on transcript NM_002834.5 (MANE Select); coding-DNA position 1504, T replaced by A.
Protein change: p.Ser502Thr; replaces serine 502 with threonine.
Molecular consequence: missense variant.
Genome position (GRCh38, 1-based): chr12:112,489,080, T>A. VCF-style: chr12-112489080-T-A. GRCh37 (hg19) VCF-style: chr12-112926884-T-A.
Other names: p.S502T:TCA>ACA; c.1516T>A, p.Ser506Thr (NM_001330437.2); c.1501T>A, p.Ser501Thr (NM_001374625.1); c.1504T>A (NM_002834.4); c.1516T>A (NM_001330437.1); short protein forms S502T, S506T, S501T.
Identifiers: ClinVar variation 13332 (VCV000013332.35), dbSNP rs121918458, ClinGen allele CA180739.
Genomic context (GRCh38, chr12:112,489,080, plus strand): 5'-GTAGGTGTTGACTGCGATATTGACGTTCCCAAAACCATCCAGATGGTGCGGTCTCAGAGG[T>A]CAGGGATGGTCCAGACAGAAGCACAGTACCGATTTATCTATATGGCGGTCCAGCATTATA-3'
Protein context (NP_002825.3, residues 492-512): KTIQMVRSQR[Ser502Thr]GMVQTEAQYR